The following is an entry in ClinVar:

NM_002474.3(MYH11):c.3897C>A (p.Ala1299=)

Genes: MYH11 (myosin heavy chain 11; minus strand), NDE1 (nudE neurodevelopment protein 1; plus strand). Cytogenetic location: 16p13.11.
Variant type: single nucleotide variant.
Coding change: c.3897C>A on transcript NM_002474.3 (MANE Select); coding-DNA position 3897, C replaced by A.
Protein change: p.Ala1299=; no amino-acid change (alanine 1299 retained).
Molecular consequence: synonymous variant. On other transcripts: 3 prime UTR variant (2).
Genome position (GRCh38, 1-based): chr16:15,724,954, G>T on the plus strand (C>A on the coding strand, the complement: MYH11 is on the minus strand). VCF-style: chr16-15724954-G-T. GRCh37 (hg19) VCF-style: chr16-15818811-G-T.
Other names: c.3918C>A, p.Ala1306= (NM_001040113.2, NM_001040114.2); c.3897C>A, p.Ala1299= (NM_022844.3); c.*703G>T (NM_001143979.2, NM_017668.3).
Identifiers: ClinVar variation 629743 (VCV000629743.20), dbSNP rs190546350, ClinGen allele CA7921841.

ClinVar aggregate classification (germline): Likely benign. Review status: criteria provided, multiple submitters, no conflicts (2 of 4 stars). 5 submissions from 5 submitters: Likely benign (5). Last evaluated 2025-03-01.

Conditions:
Familial thoracic aortic aneurysm and aortic dissection (TAAD). Also called: Thoracic aortic aneurysms and dissections. Identifiers: Orphanet 91387, MedGen C4707243, MONDO:0019625.
Aortic aneurysm, familial thoracic 4 (AAT4). Also called: AORTIC ANEURYSM/AORTIC DISSECTION AND PATENT DUCTUS ARTERIOSUS. Identifiers: MedGen C1851504, MONDO:0007568, OMIM 132900.

Allele frequency attached by ClinVar (database versions not stated): 1000 Genomes Project 30x 0.00031; 1000 Genomes Project 0.00040.
gnomAD v4.1: 31 of 1,614,046 alleles (0.0019%); highest among the groups gnomAD compares: Middle Eastern, 0.049%; no homozygotes.

Submissions (5):

CeGaT Center for Human Genetics Tuebingen
Classification: Likely benign. Last evaluated: 2025-03-01. Review status: criteria provided, single submitter. Criteria: CeGaT Center For Human Genetics Tuebingen Variant Classification Criteria Version 2. Collection method: clinical testing. Allele origin: germline. Affected: yes. Observed: 1 variant allele.
Comment: MYH11: BP4, BP7

Labcorp Genetics (formerly Invitae), Labcorp
Classification: Likely benign for Aortic aneurysm, familial thoracic 4. Last evaluated: 2024-03-27. Review status: criteria provided, single submitter. Criteria: Invitae Variant Classification Sherloc (09022015). Collection method: clinical testing. Allele origin: germline.

All of Us Research Program, National Institutes of Health
Classification: Likely benign for Familial thoracic aortic aneurysm and aortic dissection. Last evaluated: 2023-09-17. Review status: criteria provided, single submitter. Criteria: ACMG Guidelines, 2015. Collection method: clinical testing. Allele origin: germline. Inheritance: Autosomal dominant inheritance. Observed: 7 variant alleles, 7 heterozygotes.
Comment: This study involves interpretation of variants in research participants for the purpose of population health screening. Participant phenotype was not available at the time of variant classification. Additional details can be found in publication PMID: 35346344, PMCID: PMC8962531

Ambry Genetics
Classification: Likely benign for Familial thoracic aortic aneurysm and aortic dissection. Last evaluated: 2019-10-20. Review status: criteria provided, single submitter. Criteria: Ambry Variant Classification Scheme 2023. Collection method: clinical testing. Allele origin: germline.

Color Diagnostics, LLC DBA Color Health
Classification: Likely benign for Familial thoracic aortic aneurysm and aortic dissection. Last evaluated: 2018-10-17. Review status: criteria provided, single submitter. Criteria: ACMG Guidelines, 2015. Collection method: clinical testing. Allele origin: germline.